The following is an entry in ClinVar:

NM_004370.6(COL12A1):c.5615G>A (p.Arg1872His)

Gene: COL12A1 (collagen type XII alpha 1 chain; minus strand). Cytogenetic location: 6q13.
Variant type: single nucleotide variant.
Coding change: c.5615G>A on transcript NM_004370.6 (MANE Select); coding-DNA position 5615, G replaced by A.
Protein change: p.Arg1872His; replaces arginine 1872 with histidine.
Molecular consequence: missense variant.
Genome position (GRCh38, 1-based): chr6:75,133,907, C>T on the plus strand (G>A on the coding strand, the complement: COL12A1 is on the minus strand). VCF-style: chr6-75133907-C-T. GRCh37 (hg19) VCF-style: chr6-75843623-C-T.
Other names: c.2123G>A, p.Arg708His (NM_080645.3); short protein forms R1872H, R708H.
Identifiers: ClinVar variation 581581 (VCV000581581.17), dbSNP rs770194625, ClinGen allele CA3893075.
Genomic context (GRCh38, chr6:75,133,907, plus strand): 5'-GAAATAATTACCAGTTCCTCTGGACCACCTGCTGCTGGTGCATAGAAGAGCTTGTACTGA[C>T]GAGGATTTCCCTCTGCATGGTCCCAGCGGACATTCAAGGTGCTGGTAGAAGGGTCATACA-3'
Protein context (NP_004361.3, residues 1862-1882): VRWDHAEGNP[Arg1872His]QYKLFYAPAA

ClinVar aggregate classification (germline): Conflicting classifications of pathogenicity. Review status: criteria provided, conflicting classifications (1 of 4 stars). 3 submissions from 3 submitters: Uncertain significance (2); Likely benign (1). Last evaluated 2026-01-19.

Conditions:
Ullrich congenital muscular dystrophy 2 (UCMD2). Identifiers: Orphanet 75840, MedGen C4225314, MONDO:0014654, OMIM 616470.
Bethlem myopathy 2 (BTHLM2). Identifiers: Orphanet 536516, Orphanet 610, MedGen C4225313, MONDO:0034022, OMIM 616471.

Allele frequency attached by ClinVar (database versions not stated): ExAC 0.00011; TOPMed 0.00006; gnomAD exomes 0.00016; gnomAD 0.00005 and 0.00006.
gnomAD v4.1: 183 of 1,613,902 alleles (0.011%); highest among the groups gnomAD compares: Middle Eastern, 0.033%; no homozygotes.

Submissions (3):

Labcorp Genetics (formerly Invitae), Labcorp
Classification: Likely benign for Bethlem myopathy 2; Ullrich congenital muscular dystrophy 2. Last evaluated: 2026-01-19. Review status: criteria provided, single submitter. Criteria: Invitae Variant Classification Sherloc (09022015). Collection method: clinical testing. Allele origin: germline.

GeneDx
Classification: Uncertain significance. Last evaluated: 2024-05-29. Review status: criteria provided, single submitter. Criteria: GeneDx Variant Classification Process June 2021. Collection method: clinical testing. Allele origin: germline. Affected: yes.
Comment: Has not been previously published as pathogenic or benign to our knowledge; In silico analysis indicates that this missense variant does not alter protein structure/function

Revvity Omics, Revvity
Classification: Uncertain significance. Last evaluated: 2021-02-04. Review status: criteria provided, single submitter. Criteria: ACMG Guidelines, 2015. Collection method: clinical testing. Allele origin: germline.